The following is an entry in ClinVar:

ClinVar aggregate classification (germline): Uncertain significance (1 of 4 stars; one submission).

Allele frequency attached by ClinVar (database versions not stated): gnomAD exomes 0.00001.

Submission:

Labcorp Genetics (formerly Invitae), Labcorp
Classification: Uncertain significance. Last evaluated: 2021-11-18. Review status: criteria provided, single submitter. Criteria: Invitae Variant Classification Sherloc (09022015). Collection method: clinical testing. Allele origin: germline.
Comment: This variant has not been reported in the literature in individuals affected with COL18A1-related conditions. This variant is present in population databases (no rsID available, gnomAD 0.001%). This sequence change replaces arginine, which is basic and polar, with serine, which is neutral and polar, at codon 397 of the COL18A1 protein (p.Arg397Ser). Experimental studies and prediction algorithms are not available or were not evaluated, and the functional significance of this variant is currently unknown. In summary, the available evidence is currently insufficient to determine the role of this variant in disease. Therefore, it has been classified as a Variant of Uncertain Significance.

NM_001379500.1(COL18A1):c.1191G>C (p.Arg397Ser)

Gene: COL18A1 (collagen type XVIII alpha 1 chain; plus strand). Cytogenetic location: 21q22.3.
Variant type: single nucleotide variant.
Coding change: c.1191G>C on transcript NM_001379500.1 (MANE Select); coding-DNA position 1191, G replaced by C.
Protein change: p.Arg397Ser; replaces arginine 397 with serine.
Molecular consequence: missense variant.
Genome position (GRCh38, 1-based): chr21:45,477,935, G>C. VCF-style: chr21-45477935-G-C. GRCh37 (hg19) VCF-style: chr21-46897849-G-C.
Other names: c.1731G>C, p.Arg577Ser (NM_030582.4); c.2436G>C, p.Arg812Ser (NM_130444.3); short protein forms R577S, R812S, R397S.
Identifiers: ClinVar variation 1407444 (VCV001407444.6), dbSNP rs1459485458, ClinGen allele CA410515662.